The following is an entry in ClinVar:

ClinVar aggregate classification (germline): Pathogenic/Likely pathogenic. Review status: criteria provided, multiple submitters, no conflicts (2 of 4 stars). 2 submissions from 2 submitters: Pathogenic (1); Likely pathogenic (1). Last evaluated 2024-02-21.

Conditions:
Microcephalic primordial dwarfism due to RTTN deficiency (MSSP). Also called: MICROCEPHALY, SHORT STATURE, AND POLYMICROGYRIA; Microcephaly, short stature, and polymicrogyria with or without seizures. Identifiers: Orphanet 468631, MedGen C3553831, MONDO:0018764, OMIM 614833.

Allele frequency attached by ClinVar (database versions not stated): gnomAD 0.00001; TOPMed 0.00001.
gnomAD v4.1: 1 of 1,613,098 alleles (0.000062%); highest among the groups gnomAD compares: Non-Finnish European, 0.000085%; no homozygotes.

Submissions (2):

Baylor Genetics
Classification: Pathogenic for Microcephalic primordial dwarfism due to RTTN deficiency. Last evaluated: 2024-02-21. Review status: criteria provided, single submitter. Criteria: ACMG Guidelines, 2015. Collection method: clinical testing. Allele origin: unknown.

GeneDx
Classification: Likely pathogenic. Last evaluated: 2015-08-18. Review status: criteria provided, single submitter. Criteria: GeneDx Variant Classification (06012015). Collection method: clinical testing. Allele origin: germline. Affected: yes.
Comment: The R266X variant in the RTTN gene has not been reported previously as a disease-causing variant nor as a benign polymorphism, to our knowledge. This variant is predicted to cause loss of normal protein function either through protein truncation or nonsense-mediated mRNA decay. The R266X variant was not observed in approximately 6000 individuals of European and African American ancestry in the NHLBI Exome Sequencing Project, indicating it is not a common benign variant in these populations. The R266X variant is a strong candidate for a disease-causing variant, however the possibility it may be a rare benign variant cannot be excluded.

NM_173630.4(RTTN):c.796A>T (p.Arg266Ter)

Gene: RTTN (rotatin; minus strand). Cytogenetic location: 18q22.2.
Variant type: single nucleotide variant.
Coding change: c.796A>T on transcript NM_173630.4 (MANE Select); coding-DNA position 796, A replaced by T.
Protein change: p.Arg266Ter; replaces arginine 266 with a stop codon.
Molecular consequence: nonsense. On other transcripts: 5 prime UTR variant (1).
Genome position (GRCh38, 1-based): chr18:70,196,546, T>A on the plus strand (A>T on the coding strand, the complement: RTTN is on the minus strand). VCF-style: chr18-70196546-T-A. GRCh37 (hg19) VCF-style: chr18-67863782-T-A.
Other names: c.-1758A>T (NM_001318520.2); short protein forms R266*.
Identifiers: ClinVar variation 429262 (VCV000429262.3), dbSNP rs1131691284, ClinGen allele CA402699817.